The following is an entry in ClinVar:

NM_000057.4(BLM):c.2193+3A>C

Gene: BLM (BLM RecQ like helicase; plus strand). Cytogenetic location: 15q26.1.
Variant type: single nucleotide variant.
Coding change: c.2193+3A>C on transcript NM_000057.4 (MANE Select); 3 bases into the intron after coding-DNA position 2193, A replaced by C.
Molecular consequence: intron variant.
Genome position (GRCh38, 1-based): chr15:90,765,417, A>C. VCF-style: chr15-90765417-A-C. GRCh37 (hg19) VCF-style: chr15-91308647-A-C.
Other names: c.2193+3A>C (NM_001287246.2, NM_001287247.2); c.1068+3A>C (NM_001287248.2).
Identifiers: ClinVar variation 3480805 (VCV003480805.1).

ClinVar aggregate classification (germline): Uncertain significance (1 of 4 stars; one submission).

Conditions:
Hereditary cancer-predisposing syndrome. Also called: Tumor predisposition; Neoplastic Syndromes, Hereditary; Hereditary neoplastic syndrome; Hereditary Cancer Syndrome. Identifiers: Orphanet 140162, MedGen C0027672, MeSH D009386, MONDO:0015356.

Submission:

Ambry Genetics
Classification: Uncertain significance for Hereditary cancer-predisposing syndrome. Last evaluated: 2024-09-03. Review status: criteria provided, single submitter. Criteria: Ambry Variant Classification Scheme 2023. Collection method: clinical testing. Allele origin: germline.
Comment: The c.2193+3A>C intronic variant results from an A to C substitution 3 nucleotides after coding exon 8 in the BLM gene. This nucleotide position is well conserved in available vertebrate species. In silico splice site analysis predicts that this alteration will weaken the native splice donor site. Based on the available evidence, the clinical significance of this variant remains unclear.